The following is an entry in ClinVar:

NM_001318895.3(FHL2):c.501+6T>C

Genes: C2orf49 (chromosome 2 open reading frame 49; plus strand), FHL2 (four and a half LIM domains 2; minus strand). Cytogenetic location: 2q12.2.
Variant type: single nucleotide variant.
Coding change: c.501+6T>C on transcript NM_001318895.3 (MANE Select); 6 bases into the intron after coding-DNA position 501, T replaced by C.
Molecular consequence: intron variant.
Genome position (GRCh38, 1-based): chr2:105,367,564, A>G on the plus strand (T>C on the coding strand, the complement: FHL2 is on the minus strand). VCF-style: chr2-105367564-A-G. GRCh37 (hg19) VCF-style: chr2-105984021-A-G.
Other names: c.159+6T>C (NM_001318897.2, NM_001318898.2); c.501+6T>C (NM_001318896.2, NM_001039492.3, NM_001450.4 and 4 more transcripts); c.177+6T>C (NM_001318899.2).
Identifiers: ClinVar variation 2833133 (VCV002833133.3), dbSNP rs2467175370, ClinGen allele CA2739271180.

ClinVar aggregate classification (germline): Uncertain significance (1 of 4 stars; one submission).

Conditions:
Primary dilated cardiomyopathy (DCM). Also called: Dilated Cardiomyopathy. Identifiers: Orphanet 217604, MedGen C0007193, MeSH D002311, MONDO:0005021, HP:0001644. Inheritance: Various modes of inheritance.

Submission:

Labcorp Genetics (formerly Invitae), Labcorp
Classification: Uncertain significance for Primary dilated cardiomyopathy. Last evaluated: 2023-02-03. Review status: criteria provided, single submitter. Criteria: Invitae Variant Classification Sherloc (09022015). Collection method: clinical testing. Allele origin: germline.
Comment: This sequence change falls in intron 6 of the FHL2 gene. It does not directly change the encoded amino acid sequence of the FHL2 protein. It affects a nucleotide within the consensus splice site. This variant is not present in population databases (gnomAD no frequency). This variant has not been reported in the literature in individuals affected with FHL2-related conditions. Variants that disrupt the consensus splice site are a relatively common cause of aberrant splicing (PMID: 17576681, 9536098). Algorithms developed to predict the effect of sequence changes on RNA splicing suggest that this variant is not likely to affect RNA splicing. In summary, the available evidence is currently insufficient to determine the role of this variant in disease. Therefore, it has been classified as a Variant of Uncertain Significance.

Literature cited by the submitters: PubMed 17576681; PubMed 9536098.